The following is an entry in ClinVar:

ClinVar aggregate classification (germline): Uncertain significance. Review status: criteria provided, multiple submitters, no conflicts (2 of 4 stars). 2 submissions from 2 submitters: Uncertain significance (2). Last evaluated 2022-06-22.

Allele frequency attached by ClinVar (database versions not stated): gnomAD 0.00001; gnomAD exomes 0.00002.

Submissions (2):

Ambry Genetics
Classification: Uncertain significance. Last evaluated: 2022-06-22. Review status: criteria provided, single submitter. Criteria: Ambry Variant Classification Scheme 2023. Collection method: clinical testing. Allele origin: germline.
Comment: The c.1920_1922delAGT variant (also known as p.V641del) is located in coding exon 13 of the RINT1 gene. This variant results from an in-frame AGT deletion at nucleotide positions 1920 to 1922. This results in the in-frame deletion of a valine at codon 641. This amino acid position is not well conserved in available vertebrate species. The evidence for this gene-disease relationship is limited; therefore, the clinical significance of this alteration is unclear.

Labcorp Genetics (formerly Invitae), Labcorp
Classification: Uncertain significance. Last evaluated: 2018-03-18. Review status: criteria provided, single submitter. Criteria: Invitae Variant Classification Sherloc (09022015). Collection method: clinical testing. Allele origin: germline.
Comment: This variant has not been reported in the literature in individuals with RINT1-related disease. In summary, the available evidence is currently insufficient to determine the role of this variant in disease. Therefore, it has been classified as a Variant of Uncertain Significance. Experimental studies and prediction algorithms are not available for this variant, and the functional significance of the deleted amino acid is currently unknown. This variant is not present in population databases (ExAC no frequency). This variant, c.1920_1922delAGT, results in the deletion of 1 amino acid of the RINT1 protein (p.Val641del), but otherwise preserves the integrity of the reading frame.

NM_021930.6(RINT1):c.1920_1922del (p.Val641del)

Genes: EFCAB10 (EF-hand calcium binding domain 10; minus strand), RINT1 (RAD50 interactor 1; plus strand). Cytogenetic location: 7q22.3.
Variant type: Deletion.
Coding change: c.1920_1922del on transcript NM_021930.6 (MANE Select); coding-DNA positions 1920 to 1922, 3 bases deleted (AGT; older notation c.1920_1922delAGT).
Protein change: p.Val641del; deletes valine 641.
Molecular consequence: inframe deletion. On other transcripts: 3 prime UTR variant (3), non-coding transcript variant (1).
Genome position (GRCh38, 1-based): chr7:105,565,310-105,565,312, AGT deleted. VCF-style (leftmost placement, unchanged base first): chr7-105565309-CAGT-C. GRCh37 (hg19) VCF-style: chr7-105205756-CAGT-C.
Other names: c.*135_*137del (NM_001355526.2); c.*237_*239del (NM_001355530.2); c.*90_*92del (NM_001355531.2); c.1686_1688del, p.Val563del (NM_001346599.2); c.897_899del, p.Val300del (NM_001346600.2, NM_001346603.2); c.996_998del, p.Val333del (NM_001346601.2); short protein forms V300del, V333del, V563del, V641del.
Identifiers: ClinVar variation 1057209 (VCV001057209.11), dbSNP rs1267285265, ClinGen allele CA830964509.